The following is an entry in ClinVar:

ClinVar aggregate classification (germline): Pathogenic (1 of 4 stars; one submission).

Conditions:
Wilson disease (WND). Also called: Wilson's disease. Identifiers: Orphanet 905, MedGen C0019202, MONDO:0010200, OMIM 277900. Disease mechanism: loss of function.

Submission:

Myriad Genetics, Inc.
Classification: Pathogenic for Wilson disease. Last evaluated: 2025-05-05. Review status: criteria provided, single submitter. Criteria: Myriad Autosomal Dominant, Autosomal Recessive and X-Linked Classification Criteria (2023). Collection method: clinical testing. Allele origin: unknown.
Comment: NM_000053.3(ATP7B):c.3697C>T(Q1233*) is expected to be pathogenic in the context of Wilson disease. This variant is predicted to lead to an abnormal or absent protein product due to the creation of a premature termination codon in ATP7B, a gene where loss-of-function variants are known to be pathogenic. Please note: this variant was assessed in the context of healthy population screening.

NM_000053.4(ATP7B):c.3697C>T (p.Gln1233Ter)

Gene: ATP7B (ATPase copper transporting beta; minus strand). Cytogenetic location: 13q14.3.
Variant type: single nucleotide variant.
Coding change: c.3697C>T on transcript NM_000053.4 (MANE Select); coding-DNA position 3697, C replaced by T.
Protein change: p.Gln1233Ter; replaces glutamine 1233 with a stop codon.
Molecular consequence: nonsense.
Genome position (GRCh38, 1-based): chr13:51,939,053, G>A on the plus strand (C>T on the coding strand, the complement: ATP7B is on the minus strand). VCF-style: chr13-51939053-G-A. GRCh37 (hg19) VCF-style: chr13-52513189-G-A.
Other names: c.3076C>T, p.Gln1026Ter (NM_001005918.3); c.3364C>T, p.Gln1122Ter (NM_001243182.2); c.3463C>T, p.Gln1155Ter (NM_001330578.2, NM_001406527.1, NM_001406528.1); c.3445C>T, p.Gln1149Ter (NM_001330579.2, NM_001406531.1, NM_001406532.1); c.3697C>T, p.Gln1233Ter (NM_001406511.1, NM_001406512.1, NM_001406526.1); c.3691C>T, p.Gln1231Ter (NM_001406513.1); c.3664C>T, p.Gln1222Ter (NM_001406514.1); c.3643C>T, p.Gln1215Ter (NM_001406515.1, NM_001406516.1); and 20 more; short protein forms Q1006*, Q1017*, Q1026*, Q1039*, Q1069*, Q1071*, Q1084*, Q1090*.
Identifiers: ClinVar variation 5014385 (VCV005014385.1).